The following is an entry in ClinVar:

NM_000466.3(PEX1):c.17G>T (p.Arg6Leu)

Genes: PEX1 (peroxisomal biogenesis factor 1; minus strand), LOC129998796 (ATAC-STARR-seq lymphoblastoid silent region 18372; plus strand). Cytogenetic location: 7q21.2.
Variant type: single nucleotide variant.
Coding change: c.17G>T on transcript NM_000466.3 (MANE Select); coding-DNA position 17, G replaced by T.
Protein change: p.Arg6Leu; replaces arginine 6 with leucine.
Molecular consequence: missense variant. On other transcripts: 5 prime UTR variant (1).
Genome position (GRCh38, 1-based): chr7:92,528,419, C>A on the plus strand (G>T on the coding strand, the complement: PEX1 is on the minus strand). VCF-style: chr7-92528419-C-A. GRCh37 (hg19) VCF-style: chr7-92157733-C-A.
Other names: c.17G>T, p.Arg6Leu (NM_001282677.2); c.-643G>T (NM_001282678.2); short protein forms R6L.
Identifiers: ClinVar variation 1014801 (VCV001014801.8), dbSNP rs1261327878, ClinGen allele CA368207519.

ClinVar aggregate classification (germline): Uncertain significance (1 of 4 stars; one submission).

Conditions:
Zellweger spectrum disorders (ZS). Also called: Zellweger Spectrum Disorder; Zellweger Spectrum; Zellweger Spectrum Disorder (ZSD); Zellweger syndrome. Identifiers: Orphanet 912, MedGen C0043459, MONDO:0019609.

Allele frequency attached by ClinVar (database versions not stated): gnomAD exomes below 0.00001.
gnomAD v4.1: 1 of 1,595,024 alleles (0.000063%); highest among the groups gnomAD compares: East Asian, 0.0023%; no homozygotes.

Submission:

Labcorp Genetics (formerly Invitae), Labcorp
Classification: Uncertain significance for Zellweger spectrum disorders. Last evaluated: 2022-07-26. Review status: criteria provided, single submitter. Criteria: Invitae Variant Classification Sherloc (09022015). Collection method: clinical testing. Allele origin: germline.
Comment: This sequence change replaces arginine, which is basic and polar, with leucine, which is neutral and non-polar, at codon 6 of the PEX1 protein (p.Arg6Leu). The frequency data for this variant in the population databases is considered unreliable, as metrics indicate poor data quality at this position in the gnomAD database. This variant has not been reported in the literature in individuals affected with PEX1-related conditions. ClinVar contains an entry for this variant (Variation ID: 1014801). Algorithms developed to predict the effect of missense changes on protein structure and function (SIFT, PolyPhen-2, Align-GVGD) all suggest that this variant is likely to be tolerated. In summary, the available evidence is currently insufficient to determine the role of this variant in disease. Therefore, it has been classified as a Variant of Uncertain Significance.